The following is an entry in ClinVar:

NM_001042492.3(NF1):c.4854C>G (p.Ile1618Met)

Gene: NF1 (neurofibromin 1; plus strand). Cytogenetic location: 17q11.2.
Variant type: single nucleotide variant.
Coding change: c.4854C>G on transcript NM_001042492.3 (MANE Select); coding-DNA position 4854, C replaced by G.
Protein change: p.Ile1618Met; replaces isoleucine 1618 with methionine.
Molecular consequence: missense variant.
Genome position (GRCh38, 1-based): chr17:31,325,838, C>G. VCF-style: chr17-31325838-C-G. GRCh37 (hg19) VCF-style: chr17-29652856-C-G.
Other names: c.4791C>G, p.Ile1597Met (NM_000267.4); short protein forms I1597M, I1618M.
Identifiers: ClinVar variation 4016809 (VCV004016809.2).

ClinVar aggregate classification (germline): Uncertain significance. Review status: criteria provided, multiple submitters, no conflicts (2 of 4 stars). 2 submissions from 2 submitters: Uncertain significance (2). Last evaluated 2025-10-05.

Conditions:
Neurofibromatosis, type 1 (NF1). Also called: NEUROFIBROMATOSIS, TYPE I, SOMATIC; Neurofibromatosis, type I; VON RECKLINGHAUSEN DISEASE; Peripheral type neurofibromatosis. Identifiers: Orphanet 636, MedGen C0027831, MONDO:0018975, OMIM 162200. Disease mechanism: loss of function.
Cardiovascular phenotype. Identifiers: MedGen CN230736.
Hereditary cancer-predisposing syndrome. Also called: Neoplastic Syndromes, Hereditary; Tumor predisposition; Hereditary Cancer Syndrome; Hereditary neoplastic syndrome. Identifiers: Orphanet 140162, MedGen C0027672, MeSH D009386, MONDO:0015356.

gnomAD v4.1: 1 of 1,614,084 alleles (0.000062%); highest among the groups gnomAD compares: African/African-American, 0.0013%; no homozygotes.

Submissions (2):

Labcorp Genetics (formerly Invitae), Labcorp
Classification: Uncertain significance for Neurofibromatosis, type 1. Last evaluated: 2025-10-05. Review status: criteria provided, single submitter. Criteria: Invitae Variant Classification Sherloc (09022015). Collection method: clinical testing. Allele origin: germline.
Comment: This sequence change replaces isoleucine, which is neutral and non-polar, with methionine, which is neutral and non-polar, at codon 1597 of the NF1 protein (p.Ile1597Met). This variant is present in population databases (no rsID available, gnomAD 0.007%). This variant has not been reported in the literature in individuals affected with NF1-related conditions. ClinVar contains an entry for this variant (Variation ID: 4016809). Invitae Evidence Modeling of protein sequence and biophysical properties (such as structural, functional, and spatial information, amino acid conservation, physicochemical variation, residue mobility, and thermodynamic stability) has been performed for this missense variant. However, the output from this modeling did not meet the statistical confidence thresholds required to predict the impact of this variant on NF1 protein function. In summary, the available evidence is currently insufficient to determine the role of this variant in disease. Therefore, it has been classified as a Variant of Uncertain Significance.

Ambry Genetics
Classification: Uncertain significance for Cardiovascular phenotype; Hereditary cancer-predisposing syndrome. Last evaluated: 2025-03-28. Review status: criteria provided, single submitter. Criteria: Ambry Variant Classification Scheme 2023. Collection method: clinical testing. Allele origin: germline.
Comment: The p.I1597M variant (also known as c.4791C>G), located in coding exon 36 of the NF1 gene, results from a C to G substitution at nucleotide position 4791. The isoleucine at codon 1597 is replaced by methionine, an amino acid with highly similar properties. This amino acid position is conserved. In addition, the in silico prediction for this alteration is inconclusive. Based on the available evidence, the clinical significance of this variant remains unclear.